The following is an entry in ClinVar:

ClinVar aggregate classification (germline): Uncertain significance (1 of 4 stars; one submission).

Allele frequency attached by ClinVar (database versions not stated): gnomAD exomes below 0.00001.
gnomAD v4.1: 3 of 1,613,278 alleles (0.00019%); highest among the groups gnomAD compares: Middle Eastern, 0.016%; no homozygotes.

Submission:

Labcorp Genetics (formerly Invitae), Labcorp
Classification: Uncertain significance. Last evaluated: 2021-10-22. Review status: criteria provided, single submitter. Criteria: Invitae Variant Classification Sherloc (09022015). Collection method: clinical testing. Allele origin: germline.
Comment: Algorithms developed to predict the effect of missense changes on protein structure and function output the following: SIFT: "Tolerated"; PolyPhen-2: "Benign"; Align-GVGD: "Class C0". The leucine amino acid residue is found in multiple mammalian species, which suggests that this missense change does not adversely affect protein function. This variant has not been reported in the literature in individuals affected with KIAA1549-related conditions. This variant is present in population databases (no rsID available, gnomAD 0.0009%). This sequence change replaces proline, which is neutral and non-polar, with leucine, which is neutral and non-polar, at codon 1504 of the KIAA1549 protein (p.Pro1504Leu). In summary, the available evidence is currently insufficient to determine the role of this variant in disease. Therefore, it has been classified as a Variant of Uncertain Significance.

NM_001164665.2(KIAA1549):c.4511C>T (p.Pro1504Leu)

Gene: KIAA1549 (KIAA1549; minus strand). Cytogenetic location: 7q34.
Variant type: single nucleotide variant.
Coding change: c.4511C>T on transcript NM_001164665.2 (MANE Select); coding-DNA position 4511, C replaced by T.
Protein change: p.Pro1504Leu; replaces proline 1504 with leucine.
Molecular consequence: missense variant.
Genome position (GRCh38, 1-based): chr7:138,871,197, G>A on the plus strand (C>T on the coding strand, the complement: KIAA1549 is on the minus strand). VCF-style: chr7-138871197-G-A. GRCh37 (hg19) VCF-style: chr7-138555943-G-A.
Other names: c.4511C>T, p.Pro1504Leu (NM_020910.3); short protein forms P1504L.
Identifiers: ClinVar variation 1388650 (VCV001388650.6), dbSNP rs1347857306, ClinGen allele CA369374497.